The following is an entry in ClinVar:

ClinVar aggregate classification (germline): Pathogenic (1 of 4 stars; one submission).

Conditions:
Supravalvar aortic stenosis (SVAS). Also called: Supravalvar aortic stenosis, Eisenberg type. Identifiers: Orphanet 3193, MedGen C0003499, MONDO:0008504, OMIM 185500, HP:0004381.

Submission:

Labcorp Genetics (formerly Invitae), Labcorp
Classification: Pathogenic for Supravalvar aortic stenosis. Last evaluated: 2019-03-13. Review status: criteria provided, single submitter. Criteria: Invitae Variant Classification Sherloc (09022015). Collection method: clinical testing. Allele origin: germline.
Comment: For these reasons, this variant has been classified as Pathogenic. Loss-of-function variants in ELN are known to be pathogenic (PMID: 11175284). This variant has not been reported in the literature in individuals with ELN-related conditions. This variant is not present in population databases (ExAC no frequency). This sequence change creates a premature translational stop signal (p.Ser24Thrfs*100) in the ELN gene. It is expected to result in an absent or disrupted protein product.

Literature cited by the submitters: PubMed 11175284.

NM_000501.4(ELN):c.65_69dup (p.Ser24fs)

Gene: ELN (elastin; plus strand). Cytogenetic location: 7q11.23.
Variant type: Duplication.
Coding change: c.65_69dup on transcript NM_000501.4 (MANE Select); coding-DNA positions 65 to 69, 5 bases duplicated (ACCCC; older notation c.65_69dupACCCC).
Protein change: p.Ser24fs; shifts the reading frame from serine 24.
Molecular consequence: frameshift variant.
Genome position (GRCh38, 1-based): chr7:74,028,252-74,028,256, ACCCC duplicated; duplicating any 5 consecutive bases within chr7:74,028,250-74,028,256 gives the same sequence; the c. name uses the placement nearest the transcript's 3' end. VCF-style (leftmost placement, unchanged base first): chr7-74028249-T-TCCACC. GRCh37 (hg19) VCF-style: chr7-73442579-T-TCCACC.
Other names: c.65_69dup, p.Ser24fs (NM_001081752.3, NM_001081753.3, NM_001081754.3 and 9 more transcripts); short protein forms S24fs.
Identifiers: ClinVar variation 852119 (VCV000852119.7), dbSNP rs1787875866, ClinGen allele CA916082936.